The following is an entry in ClinVar:

ClinVar aggregate classification (germline): Uncertain significance (1 of 4 stars; one submission).

Allele frequency attached by ClinVar (database versions not stated): ExAC 0.00001; TOPMed 0.00001; gnomAD exomes 0.00002.
gnomAD v4.1: 27 of 1,613,990 alleles (0.0017%); highest among the groups gnomAD compares: Non-Finnish European, 0.0021%; no homozygotes.

Submission:

Labcorp Genetics (formerly Invitae), Labcorp
Classification: Uncertain significance. Last evaluated: 2025-06-01. Review status: criteria provided, single submitter. Criteria: Invitae Variant Classification Sherloc (09022015). Collection method: clinical testing. Allele origin: germline.
Comment: This sequence change replaces tyrosine, which is neutral and polar, with histidine, which is basic and polar, at codon 365 of the DSG1 protein (p.Tyr365His). This variant is present in population databases (rs749521164, gnomAD 0.007%). This variant has not been reported in the literature in individuals affected with DSG1-related conditions. ClinVar contains an entry for this variant (Variation ID: 2983507). Invitae Evidence Modeling of protein sequence and biophysical properties (such as structural, functional, and spatial information, amino acid conservation, physicochemical variation, residue mobility, and thermodynamic stability) indicates that this missense variant is not expected to disrupt DSG1 protein function with a negative predictive value of 80%. In summary, the available evidence is currently insufficient to determine the role of this variant in disease. Therefore, it has been classified as a Variant of Uncertain Significance.

NM_001942.4(DSG1):c.1093T>C (p.Tyr365His)

Gene: DSG1 (desmoglein 1; plus strand). Cytogenetic location: 18q12.1.
Variant type: single nucleotide variant.
Coding change: c.1093T>C on transcript NM_001942.4 (MANE Select); coding-DNA position 1093, T replaced by C.
Protein change: p.Tyr365His; replaces tyrosine 365 with histidine.
Molecular consequence: missense variant.
Genome position (GRCh38, 1-based): chr18:31,336,441, T>C. VCF-style: chr18-31336441-T-C. GRCh37 (hg19) VCF-style: chr18-28916404-T-C.
Other names: short protein forms Y365H.
Identifiers: ClinVar variation 2983507 (VCV002983507.3), dbSNP rs749521164, ClinGen allele CA8926015.